The following is an entry in ClinVar:

NM_001374385.1(ATP8B1):c.1246_1247del (p.His417fs)

Gene: ATP8B1 (ATPase phospholipid transporting 8B1; minus strand). Cytogenetic location: 18q21.31.
Variant type: Microsatellite.
Coding change: c.1246_1247del on transcript NM_001374385.1 (MANE Select); coding-DNA positions 1246 to 1247, 2 bases deleted (AG; older notation c.1246_1247delAG).
Protein change: p.His417fs; shifts the reading frame from histidine 417.
Molecular consequence: frameshift variant.
Genome position (GRCh38, 1-based): chr18:57,688,481-57,688,482, CT deleted on the plus strand (AG on the coding strand, the reverse complement: ATP8B1 is on the minus strand); deleting any 2 consecutive bases within chr18:57,688,481-57,688,484 gives the same sequence; the c. name uses the placement nearest the transcript's 3' end. VCF-style (leftmost placement, unchanged base first): chr18-57688480-ACT-A. GRCh37 (hg19) VCF-style: chr18-55355712-ACT-A.
Other names: c.1096_1097del, p.His367fs (NM_001374386.1); c.1246_1247del, p.His417fs (NM_005603.6); short protein forms H367fs, H417fs.
Identifiers: ClinVar variation 2679860 (VCV002679860.5), dbSNP rs2511746878, ClinGen allele CA2695200411.

ClinVar aggregate classification (germline): Pathogenic/Likely pathogenic. Review status: criteria provided, multiple submitters, no conflicts (2 of 4 stars). 3 submissions from 3 submitters: Pathogenic (2); Likely pathogenic (1). Last evaluated 2026-04-14.

Conditions:
Benign recurrent intrahepatic cholestasis type 1. Also called: SUMMERSKILL SYNDROME; Mild-to-Moderate ATP8B1 Deficiency (Benign Recurrent Intrahepatic Cholestasis 1 [BRIC1]). Identifiers: Orphanet 65682, Orphanet 99960, MedGen C4551899, MONDO:0009469, OMIM 243300.
Familial intrahepatic cholestasis. Identifiers: Orphanet 284385, MedGen CN296401, MONDO:0017290.

Submissions (3):

Genomenon, Inc
Classification: Pathogenic for Familial intrahepatic cholestasis. Last evaluated: 2026-04-14. Review status: criteria provided, single submitter. Criteria: Genomenon Sequence Variant Interpretation Standards - Updated. Collection method: curation. Allele origin: germline. Affected: yes.
Comment: ATP8B1 p.His417LeufsTer12 (c.1246_1247del) is a frameshift variant that results in the production of a truncated protein which is predicted to undergo nonsense-mediated mRNA decay. This variant has been observed in at least one proband with features of ATP8B1-deficiency (PMID:34278601). It is absent or not present at a significant frequency in gnomAD. In conclusion, we classify ATP8B1 p.His417LeufsTer12 (c.1246_1247del) as a pathogenic variant.

Labcorp Genetics (formerly Invitae), Labcorp
Classification: Pathogenic. Last evaluated: 2023-05-23. Review status: criteria provided, single submitter. Criteria: Invitae Variant Classification Sherloc (09022015). Collection method: clinical testing. Allele origin: germline.
Comment: This sequence change creates a premature translational stop signal (p.His417Leufs*12) in the ATP8B1 gene. It is expected to result in an absent or disrupted protein product. Loss-of-function variants in ATP8B1 are known to be pathogenic (PMID: 15239083, 22525741). This variant is not present in population databases (gnomAD no frequency). This variant has not been reported in the literature in individuals affected with ATP8B1-related conditions. For these reasons, this variant has been classified as Pathogenic.

Baylor Genetics
Classification: Likely pathogenic for Benign recurrent intrahepatic cholestasis type 1. Last evaluated: 2023-02-23. Review status: criteria provided, single submitter. Criteria: ACMG Guidelines, 2015. Collection method: clinical testing. Allele origin: unknown.

Literature cited by the submitters: PubMed 34278601 (cited by Genomenon, Inc); PubMed 15239083 (cited by Labcorp Genetics (formerly Invitae), Labcorp); PubMed 22525741 (cited by Labcorp Genetics (formerly Invitae), Labcorp).